The following is an entry in ClinVar:

ClinVar aggregate classification (germline): Pathogenic/Likely pathogenic. Review status: criteria provided, multiple submitters, no conflicts (2 of 4 stars). 2 submissions from 2 submitters: Pathogenic (1); Likely pathogenic (1). Last evaluated 2025-09-10.

Conditions:
Congenital hyperammonemia, type I. Also called: Carbamoyl-phosphate synthase I deficiency; Carbamoyl phosphate synthetase 1 deficiency; Hyperammonemia due to carbamoyl phosphate synthetase 1 deficiency; CPS 1 deficiency; Carbamyl phosphate synthetase (CPS) deficiency; Carbamoyl phosphate synthetase I deficiency disease. Identifiers: Orphanet 147, MedGen C4082171, MONDO:0009376, OMIM 237300.

Submissions (2):

Dasa
Classification: Likely pathogenic. Last evaluated: 2025-09-10. Review status: criteria provided, single submitter. Criteria: DASA Assertion Criteria. Collection method: clinical testing. Allele origin: germline.
Comment: NM_001875.5(CPS1):c.1329C>G (p.Tyr443*) is a nonsense variant in CPS1 predicted to introduce a premature termination codon and is predicted to result in an absent or altered protein product. Loss of function is an established disease mechanism for CPS1-associated disorders. Also, this variant is absent from population databases. Based on the currently available evidence, this variant is classified as likely pathogenic.

Mendelics
Classification: Pathogenic for Congenital hyperammonemia, type I. Last evaluated: 2019-05-28. Review status: criteria provided, single submitter. Criteria: Mendelics Assertion Criteria 2017. Collection method: clinical testing. Allele origin: unknown.

NM_001875.5(CPS1):c.1329C>G (p.Tyr443Ter)

Gene: CPS1 (carbamoyl-phosphate synthase 1; plus strand). Cytogenetic location: 2q34.
Variant type: single nucleotide variant.
Coding change: c.1329C>G on transcript NM_001875.5 (MANE Select); coding-DNA position 1329, C replaced by G.
Protein change: p.Tyr443Ter; replaces tyrosine 443 with a stop codon.
Molecular consequence: nonsense. On other transcripts: non-coding transcript variant (2).
Genome position (GRCh38, 1-based): chr2:210,595,552, C>G. VCF-style: chr2-210595552-C-G. GRCh37 (hg19) VCF-style: chr2-211460276-C-G.
Other names: c.1329C>G, p.Tyr443Ter (NM_001122633.3, NM_001369257.1); c.1362C>G, p.Tyr454Ter (NM_001369256.1); short protein forms Y454*, Y443*.
Identifiers: ClinVar variation 801867 (VCV000801867.3), dbSNP rs1574567901, ClinGen allele CA350433215.